The following is an entry in ClinVar:

NM_020631.6(PLEKHG5):c.2543G>A (p.Arg848Gln)

Gene: PLEKHG5 (pleckstrin homology and RhoGEF domain containing G5; minus strand). Cytogenetic location: 1p36.31.
Variant type: single nucleotide variant.
Coding change: c.2543G>A on transcript NM_020631.6 (MANE Select); coding-DNA position 2543, G replaced by A.
Protein change: p.Arg848Gln; replaces arginine 848 with glutamine.
Molecular consequence: missense variant.
Genome position (GRCh38, 1-based): chr1:6,468,293, C>T on the plus strand (G>A on the coding strand, the complement: PLEKHG5 is on the minus strand). VCF-style: chr1-6468293-C-T. GRCh37 (hg19) VCF-style: chr1-6528353-C-T.
Other names: c.2543G>A, p.Arg848Gln (NM_001265594.3, NM_198681.4, NM_001042664.2 and 1 more transcripts); c.2654G>A, p.Arg885Gln (NM_001042663.3, NM_001265592.2); c.2750G>A, p.Arg917Gln (NM_001265593.2); short protein forms R848Q, R917Q, R885Q.
Identifiers: ClinVar variation 297940 (VCV000297940.17), dbSNP rs761000380, ClinGen allele CA561139.
Genomic context (GRCh38, chr1:6,468,293, plus strand): 5'-CTCAACAGCTGGACAGGGGTGCGGCGGCGGAGACGGGGCGAGGGTGGAGGGGAAGGAACT[C>T]GTGGGGACTCTGGGGCCCGAGGCACTAGCTCTGCCATTGGGCCTGGGGCCACAAAGTCTT-3'
Protein context (NP_065682.2, residues 838-858): ELVPRAPESP[Arg848Gln]VPSPPPSPRL

ClinVar aggregate classification (germline): Conflicting classifications of pathogenicity. Review status: criteria provided, conflicting classifications (1 of 4 stars). 6 submissions from 6 submitters: Uncertain significance (4); Likely benign (2). Last evaluated 2026-07-01.

Conditions:
Inborn genetic diseases. Identifiers: MedGen C0950123, MeSH D030342.
Charcot-Marie-Tooth disease recessive intermediate C. Also called: CHARCOT-MARIE-TOOTH NEUROPATHY, RECESSIVE INTERMEDIATE C. Identifiers: Orphanet 369867, MedGen C3809309, MONDO:0014154, OMIM 615376.
Neuronopathy, distal hereditary motor, autosomal recessive 4. Also called: NEUROPATHY, DISTAL HEREDITARY MOTOR, AUTOSOMAL RECESSIVE 4; Autosomal recessive lower motor neuron disease with childhood onset. Identifiers: Orphanet 206580, MedGen C1970211, MONDO:0012608, OMIM 611067.

Allele frequency attached by ClinVar (database versions not stated): gnomAD 0.00006 and 0.00008; TOPMed 0.00009; ExAC 0.00010; gnomAD exomes 0.00010 and 0.00013.
gnomAD v4.1: 195 of 1,609,528 alleles (0.012%); highest among the groups gnomAD compares: Non-Finnish European, 0.015%; no homozygotes.

Submissions (6):

CeGaT Center for Human Genetics Tuebingen
Classification: Likely benign. Last evaluated: 2026-07-01. Review status: criteria provided, single submitter. Criteria: CeGaT Center For Human Genetics Tuebingen Variant Classification Criteria Version 2. Collection method: clinical testing. Allele origin: germline. Affected: yes. Observed: 1 variant allele.
Comment: PLEKHG5: BP4

GeneDx
Classification: Uncertain significance. Last evaluated: 2023-11-22. Review status: criteria provided, single submitter. Criteria: GeneDx Variant Classification Process June 2021. Collection method: clinical testing. Allele origin: germline. Affected: yes.
Comment: In silico analysis supports that this missense variant does not alter protein structure/function; Has not been previously published as pathogenic or benign to our knowledge

Labcorp Genetics (formerly Invitae), Labcorp
Classification: Uncertain significance for Neuronopathy, distal hereditary motor, autosomal recessive 4; Charcot-Marie-Tooth disease recessive intermediate C. Last evaluated: 2022-10-17. Review status: criteria provided, single submitter. Criteria: Invitae Variant Classification Sherloc (09022015). Collection method: clinical testing. Allele origin: germline.
Comment: This sequence change replaces arginine, which is basic and polar, with glutamine, which is neutral and polar, at codon 848 of the PLEKHG5 protein (p.Arg848Gln). This variant is present in population databases (rs761000380, gnomAD 0.01%). This variant has not been reported in the literature in individuals affected with PLEKHG5-related conditions. ClinVar contains an entry for this variant (Variation ID: 297940). Algorithms developed to predict the effect of missense changes on protein structure and function output the following: SIFT: "Tolerated"; PolyPhen-2: "Benign"; Align-GVGD: "Class C0". The glutamine amino acid residue is found in multiple mammalian species, which suggests that this missense change does not adversely affect protein function. In summary, the available evidence is currently insufficient to determine the role of this variant in disease. Therefore, it has been classified as a Variant of Uncertain Significance.

Ambry Genetics
Classification: Likely benign for Inborn genetic diseases. Last evaluated: 2020-01-27. Review status: criteria provided, single submitter. Criteria: Ambry Variant Classification Scheme 2023. Collection method: clinical testing. Allele origin: germline.

Illumina Laboratory Services, Illumina
Classification: Uncertain significance for Neuronopathy, distal hereditary motor, autosomal recessive 4. Last evaluated: 2018-01-12. Review status: criteria provided, single submitter. Criteria: ICSL Variant Classification Criteria 13 December 2019. Collection method: clinical testing. Allele origin: germline.

Breakthrough Genomics
Classification: Uncertain significance. Review status: criteria provided, single submitter. Criteria: ACMG Guidelines, 2015. Collection method: not provided. Allele origin: germline. Inheritance: Autosomal recessive inheritance. Affected: yes.